The following is an entry in ClinVar:

NM_001378477.3(NYX):c.1379G>T (p.Cys460Phe)

Gene: NYX (nyctalopin; plus strand). Cytogenetic location: Xp11.4.
Variant type: single nucleotide variant.
Coding change: c.1379G>T on transcript NM_001378477.3 (MANE Select); coding-DNA position 1379, G replaced by T.
Protein change: p.Cys460Phe; replaces cysteine 460 with phenylalanine.
Molecular consequence: missense variant.
Genome position (GRCh38, 1-based): chrX:41,474,847, G>T. VCF-style: chrX-41474847-G-T. GRCh37 (hg19) VCF-style: chrX-41334100-G-T.
Other names: c.1379G>T, p.Cys460Phe (NM_022567.3); short protein forms C465F, C460F.
Identifiers: ClinVar variation 756676 (VCV000756676.16), dbSNP rs374968384, ClinGen allele CA10389948.

ClinVar aggregate classification (germline): Conflicting classifications of pathogenicity. Review status: criteria provided, conflicting classifications (1 of 4 stars). 4 submissions from 4 submitters: Uncertain significance (1); Benign (1); Likely benign (2). Last evaluated 2025-04-19.

Conditions:
Congenital stationary night blindness 1A (CSNB1A). Also called: NYX-Related X-Linked Congenital Stationary Night Blindness; HEMERALOPIA-MYOPIA; Night blindness, congenital stationary (complete), 1A, X-linked; MYOPIA-NIGHT BLINDNESS; NIGHT BLINDNESS, CONGENITAL STATIONARY, WITH MYOPIA; CSNB, COMPLETE, X-LINKED. Identifiers: Orphanet 215, MedGen C3495587, MONDO:0010690, OMIM 310500.
Inborn genetic diseases. Identifiers: MedGen C0950123, MeSH D030342.

Allele frequency attached by ClinVar (database versions not stated): TOPMed 0.00011; ExAC 0.00012; gnomAD exomes 0.00013 and 0.00022; gnomAD 0.00019; ESP Exome Variant Server 0.00020.
gnomAD v4.1: 253 of 1,206,127 alleles (0.021%); highest among the groups gnomAD compares: Non-Finnish European, 0.026%; no homozygotes.

Submissions (4):

Labcorp Genetics (formerly Invitae), Labcorp
Classification: Benign. Last evaluated: 2025-04-19. Review status: criteria provided, single submitter. Criteria: Invitae Variant Classification Sherloc (09022015). Collection method: clinical testing. Allele origin: germline.

Blueprint Genetics
Classification: Likely benign. Last evaluated: 2024-04-10. Review status: criteria provided, single submitter. Criteria: ACMG Guidelines, 2015. Collection method: clinical testing. Allele origin: germline.

Ambry Genetics
Classification: Uncertain significance for Inborn genetic diseases. Last evaluated: 2021-08-10. Review status: criteria provided, single submitter. Criteria: Ambry Variant Classification Scheme 2023. Collection method: clinical testing. Allele origin: germline.

Illumina Laboratory Services, Illumina
Classification: Likely benign for Congenital stationary night blindness 1A. Last evaluated: 2018-01-13. Review status: criteria provided, single submitter. Criteria: ICSL Variant Classification Criteria 13 December 2019. Collection method: clinical testing. Allele origin: germline.
Comment: This variant was observed in the ICSL laboratory as part of a predisposition screen in an ostensibly healthy population. It had not been previously curated by ICSL or reported in the Human Gene Mutation Database (HGMD: prior to June 1st, 2018), and was therefore a candidate for classification through an automated scoring system. Utilizing variant allele frequency, disease prevalence and penetrance estimates, and inheritance mode, an automated score was calculated to assess if this variant is too frequent to cause the disease. Based on the score and internal cut-off values, a variant classified as likely benign is not then subjected to further curation. The score for this variant resulted in a classification of likely benign for this disease.